The following is an entry in ClinVar:

NM_000051.4(ATM):c.2194A>G (p.Met732Val)

Gene: ATM (ATM serine/threonine kinase; plus strand). Cytogenetic location: 11q22.3.
Variant type: single nucleotide variant.
Coding change: c.2194A>G on transcript NM_000051.4 (MANE Select); coding-DNA position 2194, A replaced by G.
Protein change: p.Met732Val; replaces methionine 732 with valine.
Molecular consequence: missense variant.
Genome position (GRCh38, 1-based): chr11:108,256,284, A>G. VCF-style: chr11-108256284-A-G. GRCh37 (hg19) VCF-style: chr11-108127011-A-G.
Other names: c.2194A>G, p.Met732Val (NM_001351834.2); short protein forms M732V.
Identifiers: ClinVar variation 645564 (VCV000645564.22), dbSNP rs1415360560, ClinGen allele CA382538939.

ClinVar aggregate classification (germline): Conflicting classifications of pathogenicity. Review status: criteria provided, conflicting classifications (1 of 4 stars). 7 submissions from 7 submitters: Uncertain significance (5); Likely benign (1). 1 of the submissions does not count toward it. Last evaluated 2025-08-03.

Conditions:
Familial cancer of breast. Also called: hereditary breast carcinoma; BREAST CANCER, FAMILIAL; Hereditary breast cancer. Identifiers: Orphanet 227535, MedGen C0346153, MONDO:0016419, OMIM 114480. Disease mechanism: loss of function.
Hereditary cancer-predisposing syndrome. Also called: Neoplastic Syndromes, Hereditary; Hereditary Cancer Syndrome; Hereditary neoplastic syndrome; Tumor predisposition. Identifiers: Orphanet 140162, MedGen C0027672, MeSH D009386, MONDO:0015356.
Ataxia-telangiectasia syndrome (AT). Also called: LOUIS-BAR SYNDROME; Ataxia-telangiectasia, complementation group E; Ataxia-telangiectasia, complementation group D; AT, COMPLEMENTATION GROUP C; Ataxia telangiectasia (A-T); Cerebello-oculocutaneous telangiectasia. Identifiers: Orphanet 100, MedGen C0004135, MONDO:0008840, OMIM 208900.

Allele frequency attached by ClinVar (database versions not stated): gnomAD exomes below 0.00001.

Submissions (7):

Labcorp Genetics (formerly Invitae), Labcorp
Classification: Uncertain significance for Ataxia-telangiectasia syndrome. Last evaluated: 2025-08-03. Review status: criteria provided, single submitter. Criteria: Invitae Variant Classification Sherloc (09022015). Collection method: clinical testing. Allele origin: germline.
Comment: This sequence change replaces methionine, which is neutral and non-polar, with valine, which is neutral and non-polar, at codon 732 of the ATM protein (p.Met732Val). This variant is present in population databases (no rsID available, gnomAD 0.0009%). This missense change has been observed in individual(s) with breast cancer (PMID: 30287823). ClinVar contains an entry for this variant (Variation ID: 645564). Invitae Evidence Modeling of protein sequence and biophysical properties (such as structural, functional, and spatial information, amino acid conservation, physicochemical variation, residue mobility, and thermodynamic stability) indicates that this missense variant is not expected to disrupt ATM protein function with a negative predictive value of 95%. RNA analysis performed to evaluate the impact of this missense change on mRNA splicing indicates it does not significantly alter splicing (internal data). In summary, the available evidence is currently insufficient to determine the role of this variant in disease. Therefore, it has been classified as a Variant of Uncertain Significance.

KCCC/NGS Laboratory, Kuwait Cancer Control Center
Classification: Uncertain significance for Familial cancer of breast. Last evaluated: 2023-05-30. Review status: criteria provided, single submitter. Criteria: ACMG Guidelines, 2015. Collection method: clinical testing. Allele origin: unknown. Inheritance: Autosomal dominant inheritance. Affected: yes. Observed: 1 heterozygote.
Comment: a variant of uncertain significance in the ATM gene (c.2194A>G). This sequence change replaces methionine with valine at codon 732 of the ATM protein (p.Met732Val). The methionine residue is weakly conserved and there is a small physicochemical difference between methionine and valine. This variant is present in population databases (no rsID available, gnomAD 0.0009%). This variant has not been reported in the literature in individuals with ATMrelated disease. In silico analysis supports that this missense variant does not alter protein structure/function;. The valine amino acid residue is found in multiple mammalian species, suggesting that this missense change does not adversely affect protein function. These predictions have not been confirmed by published functional studies and their clinical significance is uncertain. Algorithms developed to predict the effect of sequence changes on RNA splicing suggest that this variant may create or strengthen a splice site, but this prediction has not been confirmed by published transcriptional studies. In summary, the available evidence is currently insufficient to determine the role of this variant in disease. Therefore, it has been classified as a Variant of Uncertain Significance. Pathogenic and likely pathogenic mutations in the ATM gene are associated with increased risk of breast cancer.

GeneDx
Classification: Uncertain significance. Last evaluated: 2021-07-19. Review status: criteria provided, single submitter. Criteria: GeneDx Variant Classification Process June 2021. Collection method: clinical testing. Allele origin: germline. Affected: yes.
Comment: Not observed at significant frequency in large population cohorts (Lek 2016); In silico analysis supports that this missense variant does not alter protein structure/function; Observed in breast cancer cases but also in unaffected controls (Momozawa 2018); This variant is associated with the following publications: (PMID: 27535533, 30287823)

Ambry Genetics
Classification: Likely benign for Hereditary cancer-predisposing syndrome. Last evaluated: 2020-03-05. Review status: criteria provided, single submitter. Criteria: Ambry Variant Classification Scheme 2023. Collection method: clinical testing. Allele origin: germline.

Color Diagnostics, LLC DBA Color Health
Classification: Uncertain significance for Hereditary cancer-predisposing syndrome. Last evaluated: 2019-06-05. Review status: criteria provided, single submitter. Criteria: ACMG Guidelines, 2015. Collection method: clinical testing. Allele origin: germline.

Breakthrough Genomics
Classification: Uncertain significance. Review status: criteria provided, single submitter. Criteria: ACMG Guidelines, 2015. Collection method: not provided. Allele origin: germline. Inheritance: Autosomal recessive inheritance. Affected: yes.

Natera, Inc.
Classification: Uncertain significance for Ataxia-telangiectasia. Last evaluated: 2021-01-22. Review status: no assertion criteria provided. Collection method: clinical testing. Allele origin: germline. Not counted in ClinVar's aggregate classification.

Literature cited by the submitters: PubMed 30287823 (cited by Labcorp Genetics (formerly Invitae), Labcorp).